The following is an entry in ClinVar:

ClinVar aggregate classification (germline): Likely pathogenic (1 of 4 stars; one submission).

Conditions:
INTELLECTUAL DEVELOPMENTAL DISORDER, AUTOSOMAL RECESSIVE 85 (MRT85). Identifiers: MedGen CN382191, OMIM 621649.

Submission:

Clinical Genetics Laboratory, University Hospital Schleswig-Holstein
Classification: Likely pathogenic for INTELLECTUAL DEVELOPMENTAL DISORDER, AUTOSOMAL RECESSIVE 85. Last evaluated: 2025-03-17. Review status: criteria provided, single submitter. Criteria: ACMG Guidelines, 2015. Collection method: clinical testing. Allele origin: germline. Affected: yes. Observed: 2 homozygotes.
Comment: ACMG criteria applied: PM2, PVS1_Strong

NM_138364.4(PRMT9):c.956del (p.Val319fs)

Gene: PRMT9 (protein arginine methyltransferase 9; minus strand). Cytogenetic location: 4q31.23.
Variant type: Deletion.
Coding change: c.956del on transcript NM_138364.4 (MANE Select); coding-DNA position 956, one base deleted (T; older notation c.956delT).
Protein change: p.Val319fs; shifts the reading frame from valine 319.
Molecular consequence: frameshift variant. On other transcripts: 5 prime UTR variant (2).
Genome position (GRCh38, 1-based): chr4:147,661,036, A deleted on the plus strand (T on the coding strand, the reverse complement: PRMT9 is on the minus strand). VCF-style (leftmost placement, unchanged base first): chr4-147661035-CA-C. GRCh37 (hg19) VCF-style: chr4-148582186-CA-C.
Other names: c.617del, p.Val206fs (NM_001304458.2, NM_001350142.2); c.-113del (NM_001350141.2); c.41del, p.Val14fs (NM_001350143.2); c.-367del (NM_001350144.2); short protein forms V14fs, V206fs, V319fs.
Identifiers: ClinVar variation 5042030 (VCV005042030.1).